The following is an entry in ClinVar:

NM_000123.4(ERCC5):c.3443C>G (p.Ser1148Cys)

Genes: BIVM-ERCC5 (BIVM-ERCC5 readthrough; plus strand), ERCC5 (ERCC excision repair 5, endonuclease; plus strand). Cytogenetic location: 13q33.1.
Variant type: single nucleotide variant.
Coding change: c.3443C>G on transcript NM_000123.4 (MANE Select); coding-DNA position 3443, C replaced by G.
Protein change: p.Ser1148Cys; replaces serine 1148 with cysteine.
Molecular consequence: missense variant.
Genome position (GRCh38, 1-based): chr13:102,875,785, C>G. VCF-style: chr13-102875785-C-G. GRCh37 (hg19) VCF-style: chr13-103528135-C-G.
Other names: c.4805C>G, p.Ser1602Cys (NM_001204425.2); short protein forms S1148C, S1602C.
Identifiers: ClinVar variation 4882884 (VCV004882884.2).

ClinVar aggregate classification (germline): Uncertain significance (1 of 4 stars; one submission).

Conditions:
Xeroderma pigmentosum, group G (XPG). Also called: XERODERMA PIGMENTOSUM VII; XP, GROUP G; Xeroderma pigmentosum type 7; ERCC5-Related Xeroderma Pigmentosum. Identifiers: MedGen C0268141, MONDO:0010216, OMIM 278780.

gnomAD v4.1: 15 of 1,613,954 alleles (0.00093%); highest among the groups gnomAD compares: East Asian, 0.0022%; no homozygotes.

Submission:

Dasa
Classification: Uncertain significance for Xeroderma pigmentosum, group G. Last evaluated: 2025-12-23. Review status: criteria provided, single submitter. Criteria: DASA Assertion Criteria. Collection method: clinical testing. Allele origin: germline.
Comment: NM_000123.4(ERCC5):c.3443C>G (p.Ser1148Cys) is a missense variant that results in the substitution of serine with cysteine. This variant is rare in population databases. The currently available literature and clinical evidence are not sufficient to establish a definitive association between this variant and the reported condition. Therefore, this variant is classified as a variant of uncertain significance.